The following is an entry in ClinVar:

NM_000551.4(VHL):c.341-10G>T

Genes: VHL (von Hippel-Lindau tumor suppressor; plus strand), LOC107303340 (3p25 von Hippel-Lindau tumor suppressor, E3 ubiquitin protein ligase Alu-mediated recombination region; plus strand). Cytogenetic location: 3p25.3.
Variant type: single nucleotide variant.
Coding change: c.341-10G>T on transcript NM_000551.4 (MANE Select); 10 bases into the intron before coding-DNA position 341, G replaced by T.
Molecular consequence: intron variant.
Genome position (GRCh38, 1-based): chr3:10,146,504, G>T. VCF-style: chr3-10146504-G-T. GRCh37 (hg19) VCF-style: chr3-10188188-G-T.
Other names: c.*18-3283G>T (NM_001354723.2); c.341-3283G>T (NM_198156.3).
Identifiers: ClinVar variation 4071024 (VCV004071024.1).

ClinVar aggregate classification (germline): Likely benign (1 of 4 stars; one submission).

Conditions:
Von Hippel-Lindau syndrome (VHLS). Also called: Von Hippel-Lindau; von Hippel–Lindau syndrome; VHL syndrome. Identifiers: Orphanet 892, MedGen C0019562, MONDO:0008667, OMIM 193300. Disease mechanism: loss of function.

Submission:

Myriad Genetics, Inc.
Classification: Likely benign for Von Hippel-Lindau syndrome. Last evaluated: 2025-06-11. Review status: criteria provided, single submitter. Criteria: Myriad Autosomal Dominant, Autosomal Recessive and X-Linked Classification Criteria (2023). Collection method: clinical testing. Allele origin: unknown.
Comment: This variant is considered likely benign. This variant is intronic and is not expected to impact mRNA splicing.